The following is an entry in ClinVar:

ClinVar aggregate classification (germline): Uncertain significance (1 of 4 stars; one submission).

Conditions:
Nephrolithiasis/nephrocalcinosis. Identifiers: MedGen CN580796.

Submission:

Ambry Genetics
Classification: Uncertain significance for Nephrolithiasis/nephrocalcinosis. Last evaluated: 2022-12-23. Review status: criteria provided, single submitter. Criteria: Ambry Variant Classification Scheme 2023. Collection method: clinical testing. Allele origin: germline.
Comment: The p.K265R variant (also known as c.794A>G), located in coding exon 3 of the CASR gene, results from an A to G substitution at nucleotide position 794. The lysine at codon 265 is replaced by arginine, an amino acid with highly similar properties. This amino acid position is conserved. In addition, this alteration is predicted to be tolerated by in silico analysis. Since supporting evidence is limited at this time, the clinical significance of this alteration remains unclear.

NM_000388.4(CASR):c.794A>G (p.Lys265Arg)

Gene: CASR (calcium sensing receptor; plus strand). Cytogenetic location: 3q21.1.
Variant type: single nucleotide variant.
Coding change: c.794A>G on transcript NM_000388.4 (MANE Select); coding-DNA position 794, A replaced by G.
Protein change: p.Lys265Arg; replaces lysine 265 with arginine.
Molecular consequence: missense variant.
Genome position (GRCh38, 1-based): chr3:122,261,829, A>G. VCF-style: chr3-122261829-A-G. GRCh37 (hg19) VCF-style: chr3-121980676-A-G.
Other names: c.794A>G, p.Lys265Arg (NM_001178065.2); short protein forms K265R.
Identifiers: ClinVar variation 2447009 (VCV002447009.2), dbSNP rs2473226516, ClinGen allele CA354151369.